The following is an entry in ClinVar:

NM_000090.4(COL3A1):c.554C>G (p.Pro185Arg)

Gene: COL3A1 (collagen type III alpha 1 chain; plus strand). Cytogenetic location: 2q32.2.
Variant type: single nucleotide variant.
Coding change: c.554C>G on transcript NM_000090.4 (MANE Select); coding-DNA position 554, C replaced by G.
Protein change: p.Pro185Arg; replaces proline 185 with arginine.
Molecular consequence: missense variant.
Genome position (GRCh38, 1-based): chr2:188,988,106, C>G. VCF-style: chr2-188988106-C-G. GRCh37 (hg19) VCF-style: chr2-189852832-C-G.
Other names: short protein forms P185R.
Identifiers: ClinVar variation 263923 (VCV000263923.56), dbSNP rs886038977, ClinGen allele CA10587528.

ClinVar aggregate classification (germline): Uncertain significance. Review status: criteria provided, multiple submitters, no conflicts (2 of 4 stars). 6 submissions from 6 submitters: Uncertain significance (6). Last evaluated 2025-12-08.

Conditions:
Familial thoracic aortic aneurysm and aortic dissection (TAAD). Also called: Thoracic aortic aneurysms and dissections. Identifiers: Orphanet 91387, MedGen C4707243, MONDO:0019625.
Ehlers-Danlos syndrome, type 4 (EDSVASC). Also called: Ehlers-Danlos syndrome vascular type; Ehlers Danlos syndrome, ecchymotic type; Ehlers Danlos syndrome, arterial type; Ehlers Danlos syndrome, Sack-Barabas type; Ehlers-Danlos Syndrome Type IV. Identifiers: Orphanet 286, MedGen C0268338, MONDO:0017314, OMIM 130050.

Allele frequency attached by ClinVar (database versions not stated): TOPMed below 0.00001.
gnomAD v4.1: 3 of 1,613,010 alleles (0.00019%); highest among the groups gnomAD compares: Non-Finnish European, 0.00025%; no homozygotes.

Submissions (6):

Labcorp Genetics (formerly Invitae), Labcorp
Classification: Uncertain significance for Ehlers-Danlos syndrome, type 4. Last evaluated: 2025-12-08. Review status: criteria provided, single submitter. Criteria: Invitae Variant Classification Sherloc (09022015). Collection method: clinical testing. Allele origin: germline.
Comment: This sequence change replaces proline, which is neutral and non-polar, with arginine, which is basic and polar, at codon 185 of the COL3A1 protein (p.Pro185Arg). This variant is not present in population databases (gnomAD no frequency). This variant has not been reported in the literature in individuals affected with COL3A1-related conditions. ClinVar contains an entry for this variant (Variation ID: 263923). Invitae Evidence Modeling of protein sequence and biophysical properties (such as structural, functional, and spatial information, amino acid conservation, physicochemical variation, residue mobility, and thermodynamic stability) indicates that this missense variant is not expected to disrupt COL3A1 protein function with a negative predictive value of 95%. In summary, the available evidence is currently insufficient to determine the role of this variant in disease. Therefore, it has been classified as a Variant of Uncertain Significance.

All of Us Research Program, National Institutes of Health
Classification: Uncertain significance for Ehlers-Danlos syndrome, type 4. Last evaluated: 2024-07-10. Review status: criteria provided, single submitter. Criteria: ACMG Guidelines, 2015. Collection method: clinical testing. Allele origin: germline. Inheritance: Autosomal dominant inheritance. Observed: 4 variant alleles, 4 heterozygotes.
Comment: This missense variant replaces proline with arginine at codon 185 of the COL3A1 protein. Computational prediction suggests that this variant may not impact protein structure and function (internally defined REVEL score threshold <= 0.5, PMID: 27666373). To our knowledge, functional studies have not been reported for this variant. This variant has not been reported in individuals affected with COL3A1-related disorders in the literature. This variant has not been identified in the general population by the Genome Aggregation Database (gnomAD). The available evidence is insufficient to determine the role of this variant in disease conclusively. Therefore, this variant is classified as a Variant of Uncertain Significance.

This study involves interpretation of variants in research participants for the purpose of population health screening. Participant phenotype was not available at the time of variant classification. Additional details can be found in publication PMID: 35346344, PMCID: PMC8962531

Color Diagnostics, LLC DBA Color Health
Classification: Uncertain significance for Familial thoracic aortic aneurysm and aortic dissection. Last evaluated: 2024-06-11. Review status: criteria provided, single submitter. Criteria: ACMG Guidelines, 2015. Collection method: clinical testing. Allele origin: germline.
Comment: This missense variant replaces proline with arginine at codon 185 of the COL3A1 protein. Computational prediction suggests that this variant may not impact protein structure and function. To our knowledge, functional studies have not been reported for this variant. This variant has not been reported in individuals affected with COL3A1-related disorders in the literature. This variant has not been identified in the general population by the Genome Aggregation Database (gnomAD). The available evidence is insufficient to determine the role of this variant in disease conclusively. Therefore, this variant is classified as a Variant of Uncertain Significance.

Women's Health and Genetics/Laboratory Corporation of America, LabCorp
Classification: Uncertain significance. Last evaluated: 2023-01-03. Review status: criteria provided, single submitter. Criteria: LabCorp Variant Classification Summary - May 2015. Collection method: clinical testing. Allele origin: germline.
Comment: Variant summary: COL3A1 c.554C>G (p.Pro185Arg) results in a non-conservative amino acid change located in the collagen triple-helical repeat region (IPR008160) of the encoded protein sequence. Four of four in-silico tools predict a damaging effect of the variant on protein function. The variant was absent in 250956 control chromosomes (gnomAD). The available data on variant occurrences in the general population are insufficient to allow any conclusion about variant significance. To our knowledge, no occurrence of c.554C>G in individuals affected with Ehlers-Danlos Syndrome, Vascular Type and no experimental evidence demonstrating its impact on protein function have been reported. Three clinical diagnostic laboratories have submitted clinical-significance assessments for this variant to ClinVar after 2014 without evidence for independent evaluation. All laboratories classified the variant as uncertain significance. Based on the evidence outlined above, the variant was classified as uncertain significance.

GeneDx
Classification: Uncertain significance. Last evaluated: 2021-04-28. Review status: criteria provided, single submitter. Criteria: GeneDx Variant Classification Process June 2021. Collection method: clinical testing. Allele origin: germline. Affected: yes.
Comment: Has not been previously published as pathogenic or benign to our knowledge; Not observed in large population cohorts (Lek et al., 2016); In silico analysis supports that this missense variant has a deleterious effect on protein structure/function; Occurs in the triple helical domain at the Y position in the canonical Gly-X-Y repeat; although this variant may have an effect on normal protein folding and function, missense substitution at the Y position is not a common mechanism of disease (Stenson et al., 2014); Reported in ClinVar as a variant of uncertain significance (ClinVar Variant ID# 263923; Landrum et al., 2016)

Ambry Genetics
Classification: Uncertain significance for Familial thoracic aortic aneurysm and aortic dissection. Last evaluated: 2015-10-12. Review status: criteria provided, single submitter. Criteria: Ambry Variant Classification Scheme 2023. Collection method: clinical testing. Allele origin: germline.
Comment: The p.P185R variant (also known as c.554C>G), located in coding exon 6 of the COL3A1 gene, results from a C to G substitution at nucleotide position 554. The proline at codon 185 is replaced by arginine, an amino acid with dissimilar properties. This variant was not reported in population based cohorts in the following databases: Database of Single Nucleotide Polymorphisms (dbSNP), NHLBI Exome Sequencing Project (ESP), and 1000 Genomes Project. In the ESP, this variant was not observed in 6503 samples (13006 alleles) with coverage at this position. This amino acid position is highly conserved in available vertebrate species. In addition, the in silico prediction for this alteration is inconclusive. Since supporting evidence is limited at this time, the clinical significance of this variant remains unclear.